The following is an entry in ClinVar:

ClinVar aggregate classification (germline): Uncertain significance. Review status: criteria provided, multiple submitters, no conflicts (2 of 4 stars). 2 submissions from 2 submitters: Uncertain significance (2). Last evaluated 2025-06-14.

Submissions (2):

Ambry Genetics
Classification: Uncertain significance. Last evaluated: 2025-06-14. Review status: criteria provided, single submitter. Criteria: Ambry Variant Classification Scheme 2023. Collection method: clinical testing. Allele origin: germline.
Comment: The p.H452R variant (also known as c.1355A>G), located in coding exon 8 of the ATRIP gene, results from an A to G substitution at nucleotide position 1355. The histidine at codon 452 is replaced by arginine, an amino acid with highly similar properties. This amino acid position is conserved. In addition, this alteration is predicted to be tolerated by in silico analysis. Based on the available evidence, the clinical significance of this variant remains unclear.

Labcorp Genetics (formerly Invitae), Labcorp
Classification: Uncertain significance. Last evaluated: 2021-12-22. Review status: criteria provided, single submitter. Criteria: Invitae Variant Classification Sherloc (09022015). Collection method: clinical testing. Allele origin: germline.
Comment: In summary, the available evidence is currently insufficient to determine the role of this variant in disease. Therefore, it has been classified as a Variant of Uncertain Significance. Algorithms developed to predict the effect of missense changes on protein structure and function output the following: SIFT: "Tolerated"; PolyPhen-2: "Benign"; Align-GVGD: "Class C0". The arginine amino acid residue is found in multiple mammalian species, which suggests that this missense change does not adversely affect protein function. This variant has not been reported in the literature in individuals affected with ATRIP-related conditions. This variant is not present in population databases (gnomAD no frequency). This sequence change replaces histidine, which is basic and polar, with arginine, which is basic and polar, at codon 452 of the ATRIP protein (p.His452Arg).

NM_130384.3(ATRIP):c.1355A>G (p.His452Arg)

Genes: ATRIP-TREX1 (ATRIP-TREX1 readthrough; plus strand), ATRIP (ATR interacting protein; plus strand). Cytogenetic location: 3p21.31.
Variant type: single nucleotide variant.
Coding change: c.1355A>G on transcript NM_130384.3 (MANE Select); coding-DNA position 1355, A replaced by G.
Protein change: p.His452Arg; replaces histidine 452 with arginine.
Molecular consequence: missense variant. On other transcripts: non-coding transcript variant (1).
Genome position (GRCh38, 1-based): chr3:48,460,409, A>G. VCF-style: chr3-48460409-A-G. GRCh37 (hg19) VCF-style: chr3-48501808-A-G.
Other names: c.974A>G, p.His325Arg (NM_001271022.2); c.1076A>G, p.His359Arg (NM_001271023.2); c.1355A>G, p.His452Arg (NM_032166.4); c.1355A>G (NM_130384.1); short protein forms H452R, H325R, H359R.
Identifiers: ClinVar variation 2053442 (VCV002053442.5), dbSNP rs2040070791, ClinGen allele CA352724476.